The following is an entry in ClinVar:

NM_000548.5(TSC2):c.1120-5T>C

Gene: TSC2 (TSC complex subunit 2; plus strand). Cytogenetic location: 16p13.3.
Variant type: single nucleotide variant.
Coding change: c.1120-5T>C on transcript NM_000548.5 (MANE Select); 5 bases into the intron before coding-DNA position 1120, T replaced by C.
Molecular consequence: intron variant.
Genome position (GRCh38, 1-based): chr16:2,061,866, T>C. VCF-style: chr16-2061866-T-C. GRCh37 (hg19) VCF-style: chr16-2111867-T-C.
Other names: c.1120-5T>C (NM_001114382.3, NM_021055.3, NM_001370405.1 and 3 more transcripts); c.1009-5T>C (NM_001318827.2); c.520-5T>C (NM_001318831.2); c.973-5T>C (NM_001318829.2); c.1153-5T>C (NM_001318832.2).
Identifiers: ClinVar variation 480819 (VCV000480819.14), dbSNP rs896351318, ClinGen allele CA658658350.

ClinVar aggregate classification (germline): Conflicting classifications of pathogenicity. Review status: criteria provided, conflicting classifications (1 of 4 stars). 2 submissions from 2 submitters: Uncertain significance (1); Likely benign (1). Last evaluated 2024-12-20.

Conditions:
Hereditary cancer-predisposing syndrome. Also called: Hereditary neoplastic syndrome; Neoplastic Syndromes, Hereditary; Tumor predisposition; Hereditary Cancer Syndrome. Identifiers: Orphanet 140162, MedGen C0027672, MeSH D009386, MONDO:0015356.
Tuberous sclerosis 2 (TSC2). Identifiers: Orphanet 805, MedGen C1860707, MONDO:0013199, OMIM 613254.

Submissions (2):

Labcorp Genetics (formerly Invitae), Labcorp
Classification: Likely benign for Tuberous sclerosis 2. Last evaluated: 2024-12-20. Review status: criteria provided, single submitter. Criteria: Invitae Variant Classification Sherloc (09022015). Collection method: clinical testing. Allele origin: germline.

Ambry Genetics
Classification: Uncertain significance for Hereditary cancer-predisposing syndrome. Last evaluated: 2024-08-29. Review status: criteria provided, single submitter. Criteria: Ambry Variant Classification Scheme 2023. Collection method: clinical testing. Allele origin: germline.
Comment: The c.1120-5T>C intronic variant results from a T to C substitution 5 nucleotides before coding exon 11 in the TSC2 gene. This nucleotide position is not well conserved in available vertebrate species. In silico splice site analysis predicts that this alteration will not have any significant effect on splicing; however, direct evidence is insufficient at this time (Ambry internal data). Since supporting evidence is limited at this time, the clinical significance of this alteration remains unclear.